The following is an entry in ClinVar:

NM_001458.5(FLNC):c.7423G>A (p.Val2475Ile)

Genes: FLNC (filamin C; plus strand), FLNC-AS1 (FLNC antisense RNA 1; minus strand). Cytogenetic location: 7q32.1.
Variant type: single nucleotide variant.
Coding change: c.7423G>A on transcript NM_001458.5 (MANE Select); coding-DNA position 7423, G replaced by A.
Protein change: p.Val2475Ile; replaces valine 2475 with isoleucine.
Molecular consequence: missense variant.
Genome position (GRCh38, 1-based): chr7:128,856,783, G>A. VCF-style: chr7-128856783-G-A. GRCh37 (hg19) VCF-style: chr7-128496837-G-A.
Other names: c.7324G>A, p.Val2442Ile (NM_001127487.2); short protein forms V2442I, V2475I.
Identifiers: ClinVar variation 665981 (VCV000665981.17), dbSNP rs191224002, ClinGen allele CA4476272.

ClinVar aggregate classification (germline): Conflicting classifications of pathogenicity. Review status: criteria provided, conflicting classifications (1 of 4 stars). 4 submissions from 4 submitters: Uncertain significance (3); Likely benign (1). Last evaluated 2025-11-13.

Conditions:
Myofibrillar myopathy 5. Also called: FILAMINOPATHY, AUTOSOMAL DOMINANT; Filaminopathy (type). Identifiers: Orphanet 171445, MedGen C1836050, MONDO:0012289, OMIM 609524.
Distal myopathy with posterior leg and anterior hand involvement. Also called: WILLIAMS DISTAL MYOPATHY. Identifiers: Orphanet 63273, MedGen C3279722, MONDO:0013550, OMIM 614065.
Hypertrophic cardiomyopathy 26. Also called: Cardiomyopathy, familial hypertrophic, 26. Identifiers: Orphanet 75249, MedGen C4310749, MONDO:0014883, OMIM 617047.
Cardiovascular phenotype. Identifiers: MedGen CN230736.

Allele frequency attached by ClinVar (database versions not stated): gnomAD 0.00001 and 0.00002; gnomAD exomes 0.00001 and 0.00003; ExAC 0.00003; TOPMed 0.00004; 1000 Genomes Project 30x 0.00016; 1000 Genomes Project 0.00020.

Submissions (4):

Labcorp Genetics (formerly Invitae), Labcorp
Classification: Likely benign for Distal myopathy with posterior leg and anterior hand involvement; Myofibrillar myopathy 5; Hypertrophic cardiomyopathy 26. Last evaluated: 2025-11-13. Review status: criteria provided, single submitter. Criteria: Invitae Variant Classification Sherloc (09022015). Collection method: clinical testing. Allele origin: germline.

Ambry Genetics
Classification: Uncertain significance for Cardiovascular phenotype. Last evaluated: 2025-08-07. Review status: criteria provided, single submitter. Criteria: Ambry Variant Classification Scheme 2023. Collection method: clinical testing. Allele origin: germline.
Comment: The p.V2475I variant (also known as c.7423G>A), located in coding exon 45 of the FLNC gene, results from a G to A substitution at nucleotide position 7423. The valine at codon 2475 is replaced by isoleucine, an amino acid with highly similar properties. This amino acid position is well conserved in available vertebrate species. In addition, this alteration is predicted to be tolerated by in silico analysis. Based on the available evidence, the clinical significance of this variant remains unclear.

Fulgent Genetics
Classification: Uncertain significance for Myofibrillar myopathy 5; Distal myopathy with posterior leg and anterior hand involvement; Hypertrophic cardiomyopathy 26. Last evaluated: 2024-06-10. Review status: criteria provided, single submitter. Criteria: ACMG Guidelines, 2015. Collection method: clinical testing. Allele origin: germline.

Revvity Omics, Revvity
Classification: Uncertain significance. Last evaluated: 2023-06-28. Review status: criteria provided, single submitter. Criteria: ACMG Guidelines, 2015. Collection method: clinical testing. Allele origin: germline.